The following is an entry in ClinVar:

NM_170606.3(KMT2C):c.12653C>T (p.Thr4218Ile)

Gene: KMT2C (lysine methyltransferase 2C; minus strand). Cytogenetic location: 7q36.1.
Variant type: single nucleotide variant.
Coding change: c.12653C>T on transcript NM_170606.3 (MANE Select); coding-DNA position 12653, C replaced by T.
Protein change: p.Thr4218Ile; replaces threonine 4218 with isoleucine.
Molecular consequence: missense variant.
Genome position (GRCh38, 1-based): chr7:152,151,455, G>A on the plus strand (C>T on the coding strand, the complement: KMT2C is on the minus strand). VCF-style: chr7-152151455-G-A. GRCh37 (hg19) VCF-style: chr7-151848540-G-A.
Other names: short protein forms T4218I.
Identifiers: ClinVar variation 2631316 (VCV002631316.1), dbSNP rs2487614741, ClinGen allele CA370094409.

ClinVar aggregate classification (germline): Uncertain significance (1 of 4 stars; one submission).

Conditions:
KMT2C-related disorder. Also called: KMT2C-related condition; KMT2C-related disorders.

Submission:

PreventionGenetics, part of Exact Sciences
Classification: Uncertain significance for KMT2C-related condition. Last evaluated: 2023-08-24. Review status: criteria provided, single submitter. Criteria: ACMG Guidelines, 2015. Collection method: clinical testing. Allele origin: germline.
Comment: The KMT2C c.12653C>T variant is predicted to result in the amino acid substitution p.Thr4218Ile. To our knowledge, this variant has not been reported in the literature or in a large population database, indicating this variant is rare. At this time, the clinical significance of this variant is uncertain due to the absence of conclusive functional and genetic evidence.